The following is an entry in ClinVar:

NM_000443.4(ABCB4):c.572A>G (p.Lys191Arg)

Gene: ABCB4 (ATP binding cassette subfamily B member 4; minus strand). Cytogenetic location: 7q21.12.
Variant type: single nucleotide variant.
Coding change: c.572A>G on transcript NM_000443.4 (MANE Select); coding-DNA position 572, A replaced by G.
Protein change: p.Lys191Arg; replaces lysine 191 with arginine.
Molecular consequence: missense variant.
Genome position (GRCh38, 1-based): chr7:87,451,759, T>C on the plus strand (A>G on the coding strand, the complement: ABCB4 is on the minus strand). VCF-style: chr7-87451759-T-C. GRCh37 (hg19) VCF-style: chr7-87081075-T-C.
Other names: c.572A>G, p.Lys191Arg (NM_018849.3, NM_018850.3); short protein forms K191R.
Identifiers: ClinVar variation 4846517 (VCV004846517.1).

ClinVar aggregate classification (germline): Uncertain significance (1 of 4 stars; one submission).

Conditions:
Familial intrahepatic cholestasis. Identifiers: Orphanet 284385, MedGen CN296401, MONDO:0017290.

Submission:

Genomenon, Inc
Classification: Uncertain significance for Familial intrahepatic cholestasis. Last evaluated: 2026-04-14. Review status: criteria provided, single submitter. Criteria: Genomenon Sequence Variant Interpretation Standards - Updated. Collection method: curation. Allele origin: germline. Affected: yes.
Comment: ABCB4 p.Lys191Arg (c.572A>G) is a missense variant that changes the amino acid at residue 191 from Lysine to Arginine. This variant has been observed in at least one proband with an ABCB4-related disorder (PMID:37575491). It is absent or not present at a significant frequency in gnomAD. In silico models predict that this variant is possibly or probably damaging. In conclusion, we classify ABCB4 p.Lys191Arg (c.572A>G) as a variant of uncertain significance.

Literature cited by the submitters: PubMed 37575491.